The following is an entry in ClinVar:

NM_001040142.2(SCN2A):c.4946T>C (p.Leu1649Pro)

Gene: SCN2A (sodium voltage-gated channel alpha subunit 2; plus strand). Cytogenetic location: 2q24.3.
Variant type: single nucleotide variant.
Coding change: c.4946T>C on transcript NM_001040142.2 (MANE Select); coding-DNA position 4946, T replaced by C.
Protein change: p.Leu1649Pro; replaces leucine 1649 with proline.
Molecular consequence: missense variant.
Genome position (GRCh38, 1-based): chr2:165,388,752, T>C. VCF-style: chr2-165388752-T-C. GRCh37 (hg19) VCF-style: chr2-166245262-T-C.
Other names: c.4946T>C, p.Leu1649Pro (NM_001040143.2, NM_001371246.1, NM_001371247.1 and 1 more transcripts); short protein forms L1649P.
Identifiers: ClinVar variation 1028211 (VCV001028211.1), dbSNP rs1702008208, ClinGen allele CA349037843.

ClinVar aggregate classification (germline): Likely pathogenic (1 of 4 stars; one submission).

Conditions:
Seizures, benign familial infantile, 3 (BFIS3). Also called: CONVULSIONS, BENIGN FAMILIAL INFANTILE, 3; Familial neonatal seizures. Identifiers: Orphanet 140927, Orphanet 306, MedGen C1843140, MONDO:0011904, OMIM 607745.

Submission:

Baylor Genetics
Classification: Likely pathogenic for Seizures, benign familial infantile, 3. Last evaluated: 2019-09-06. Review status: criteria provided, single submitter. Criteria: ACMG Guidelines, 2015. Collection method: clinical testing. Allele origin: unknown. Affected: yes.
Comment: This variant was determined to be likely pathogenic according to ACMG Guidelines, 2015 [PMID:25741868].